The following is an entry in ClinVar:

NM_001830.4(CLCN4):c.1192A>G (p.Ile398Val)

Gene: CLCN4 (chloride voltage-gated channel 4; plus strand). Cytogenetic location: Xp22.2.
Variant type: single nucleotide variant.
Coding change: c.1192A>G on transcript NM_001830.4 (MANE Select); coding-DNA position 1192, A replaced by G.
Protein change: p.Ile398Val; replaces isoleucine 398 with valine.
Molecular consequence: missense variant.
Genome position (GRCh38, 1-based): chrX:10,208,393, A>G. VCF-style: chrX-10208393-A-G. GRCh37 (hg19) VCF-style: chrX-10176433-A-G.
Other names: c.910A>G, p.Ile304Val (NM_001256944.2); short protein forms I304V, I398V.
Identifiers: ClinVar variation 2750951 (VCV002750951.3), dbSNP rs2518885507, ClinGen allele CA412038051.
Genomic context (GRCh38, chrX:10,208,393, plus strand): 5'-GCCATCACTGCCATCATTGCCTACCCCAATCCCTACACACGCCAGAGCACCAGCGAGCTC[A>G]TTTCTGAGCTGTTCAATGACTGTGGAGCCCTTGAGTCTTCCCAGCTCTGTGACTACATCA-3'
Protein context (NP_001821.2, residues 388-408): PYTRQSTSEL[Ile398Val]SELFNDCGAL

ClinVar aggregate classification (germline): Uncertain significance (1 of 4 stars; one submission).

Allele frequency attached by ClinVar (database versions not stated): gnomAD exomes below 0.00001.
gnomAD v4.1: 2 of 1,210,913 alleles (0.00017%); highest among the groups gnomAD compares: South Asian, 0.0035%; no homozygotes.

Submission:

Labcorp Genetics (formerly Invitae), Labcorp
Classification: Uncertain significance. Last evaluated: 2023-08-07. Review status: criteria provided, single submitter. Criteria: Invitae Variant Classification Sherloc (09022015). Collection method: clinical testing. Allele origin: germline.
Comment: In summary, the available evidence is currently insufficient to determine the role of this variant in disease. Therefore, it has been classified as a Variant of Uncertain Significance. Advanced modeling of protein sequence and biophysical properties (such as structural, functional, and spatial information, amino acid conservation, physicochemical variation, residue mobility, and thermodynamic stability) has been performed at Invitae for this missense variant, however the output from this modeling did not meet the statistical confidence thresholds required to predict the impact of this variant on CLCN4 protein function. This variant has not been reported in the literature in individuals affected with CLCN4-related conditions. This variant is not present in population databases (gnomAD no frequency). This sequence change replaces isoleucine, which is neutral and non-polar, with valine, which is neutral and non-polar, at codon 398 of the CLCN4 protein (p.Ile398Val).